The following is an entry in ClinVar:

ClinVar aggregate classification (germline): Benign/Likely benign. Review status: criteria provided, multiple submitters, no conflicts (2 of 4 stars). 5 submissions from 5 submitters: Benign (2); Likely benign (2). 1 of the submissions does not count toward it. Last evaluated 2026-01-26.

Conditions:
RAI1-related disorder. Also called: RAI1-related condition.
Inborn genetic diseases. Identifiers: MedGen C0950123, MeSH D030342.

Allele frequency attached by ClinVar (database versions not stated): gnomAD exomes 0.00005 and 0.00008; ExAC 0.00008; ESP Exome Variant Server 0.00023; gnomAD 0.00038 and 0.00044; TOPMed 0.00040.
gnomAD v4.1: 138 of 1,613,024 alleles (0.0086%); highest among the groups gnomAD compares: African/African-American, 0.13%; no homozygotes.

Submissions (5):

Labcorp Genetics (formerly Invitae), Labcorp
Classification: Benign. Last evaluated: 2026-01-26. Review status: criteria provided, single submitter. Criteria: Invitae Variant Classification Sherloc (09022015). Collection method: clinical testing. Allele origin: germline.

CeGaT Center for Human Genetics Tuebingen
Classification: Likely benign. Last evaluated: 2025-11-01. Review status: criteria provided, single submitter. Criteria: CeGaT Center For Human Genetics Tuebingen Variant Classification Criteria Version 2. Collection method: clinical testing. Allele origin: germline. Affected: yes. Observed: 1 variant allele.
Comment: RAI1: BP4, BP7

GeneDx
Classification: Benign. Last evaluated: 2020-05-14. Review status: criteria provided, single submitter. Criteria: GeneDx Variant Classification Process June 2021. Collection method: clinical testing. Allele origin: germline. Affected: yes.

Ambry Genetics
Classification: Likely benign for Inborn genetic diseases. Last evaluated: 2018-07-12. Review status: criteria provided, single submitter. Criteria: Ambry Variant Classification Scheme 2023. Collection method: clinical testing. Allele origin: germline.

PreventionGenetics, part of Exact Sciences
Classification: Likely benign for RAI1-related condition. Last evaluated: 2020-10-26. Review status: no assertion criteria provided. Collection method: clinical testing. Allele origin: germline. Not counted in ClinVar's aggregate classification.
Comment: This variant is classified as likely benign based on ACMG/AMP sequence variant interpretation guidelines (Richards et al. 2015 PMID: 25741868, with internal and published modifications).

NM_030665.4(RAI1):c.1866C>T (p.Ala622=)

Gene: RAI1 (retinoic acid induced 1; plus strand). Cytogenetic location: 17p11.2.
Variant type: single nucleotide variant.
Coding change: c.1866C>T on transcript NM_030665.4 (MANE Select); coding-DNA position 1866, C replaced by T.
Protein change: p.Ala622=; no amino-acid change (alanine 622 retained).
Molecular consequence: synonymous variant.
Genome position (GRCh38, 1-based): chr17:17,794,814, C>T. VCF-style: chr17-17794814-C-T. GRCh37 (hg19) VCF-style: chr17-17698128-C-T.
Identifiers: ClinVar variation 1183926 (VCV001183926.20), dbSNP rs143944475, ClinGen allele CA8418415.